The following is an entry in ClinVar:

NM_014975.3(MAST1):c.3326G>T (p.Arg1109Leu)

Gene: MAST1 (microtubule associated serine/threonine kinase 1; plus strand). Cytogenetic location: 19p13.13.
Variant type: single nucleotide variant.
Coding change: c.3326G>T on transcript NM_014975.3 (MANE Select); coding-DNA position 3326, G replaced by T.
Protein change: p.Arg1109Leu; replaces arginine 1109 with leucine.
Molecular consequence: missense variant.
Genome position (GRCh38, 1-based): chr19:12,873,386, G>T. VCF-style: chr19-12873386-G-T. GRCh37 (hg19) VCF-style: chr19-12984200-G-T.
Other names: short protein forms R1109L.
Identifiers: ClinVar variation 4780980 (VCV004780980.1).

ClinVar aggregate classification (germline): Uncertain significance (1 of 4 stars; one submission).

gnomAD v4.1: 5 of 1,613,846 alleles (0.00031%); highest among the groups gnomAD compares: African/African-American, 0.0013%; no homozygotes.

Submission:

Labcorp Genetics (formerly Invitae), Labcorp
Classification: Uncertain significance. Last evaluated: 2025-08-01. Review status: criteria provided, single submitter. Criteria: Invitae Variant Classification Sherloc (09022015). Collection method: clinical testing. Allele origin: germline.
Comment: This sequence change replaces arginine, which is basic and polar, with leucine, which is neutral and non-polar, at codon 1109 of the MAST1 protein (p.Arg1109Leu). This variant is present in population databases (no rsID available, gnomAD 0.007%). This variant has not been reported in the literature in individuals affected with MAST1-related conditions. An algorithm developed to predict the effect of missense changes on protein structure and function (PolyPhen-2) suggests that this variant is likely to be tolerated. In summary, the available evidence is currently insufficient to determine the role of this variant in disease. Therefore, it has been classified as a Variant of Uncertain Significance.